The following is an entry in ClinVar:

NM_006372.5(SYNCRIP):c.1802C>G (p.Ser601Cys)

Gene: SYNCRIP (synaptotagmin binding cytoplasmic RNA interacting protein; minus strand). Cytogenetic location: 6q14.3.
Variant type: single nucleotide variant.
Coding change: c.1802C>G on transcript NM_006372.5 (MANE Select); coding-DNA position 1802, C replaced by G.
Protein change: p.Ser601Cys; replaces serine 601 with cysteine.
Molecular consequence: missense variant. On other transcripts: intron variant (10).
Genome position (GRCh38, 1-based): chr6:85,614,826, G>C on the plus strand (C>G on the coding strand, the complement: SYNCRIP is on the minus strand). VCF-style: chr6-85614826-G-C. GRCh37 (hg19) VCF-style: chr6-86324544-G-C.
Other names: c.1697C>G, p.Ser566Cys (NM_001159675.2); c.1508C>G, p.Ser503Cys (NM_001410938.1); c.1647+155C>G (NM_001439160.1, NM_001159676.2, NM_001159677.2); c.1789+13C>G (NM_001439161.1, NM_001439162.1, NM_001439158.1); c.1191+155C>G (NM_001253771.2); c.1353+155C>G (NM_001159673.2); c.1495+13C>G (NM_001439159.1); c.1542+155C>G (NM_001159674.2); short protein forms S503C, S566C, S601C.
Identifiers: ClinVar variation 2580097 (VCV002580097.1), dbSNP rs2537716219, ClinGen allele CA364898154.
Genomic context (GRCh38, chr6:85,614,826, plus strand): 5'-TGTTGCCCAAAAGTATCCTGATAAAACTCCTGGTTTTCAGATTTGTAACCATAGTTACCA[G>C]AATGATCACCACCTTGGAGCGGTTGCTGAGCAATGGGTTGGGAGCCCCAGTTCTGATTAT-3'
Protein context (NP_006363.4, residues 591-611): AQQPLQGGDH[Ser601Cys]GNYGYKSENQ

ClinVar aggregate classification (germline): Uncertain significance (1 of 4 stars; one submission).

Submission:

GeneDx
Classification: Uncertain significance. Last evaluated: 2023-03-17. Review status: criteria provided, single submitter. Criteria: GeneDx Variant Classification Process June 2021. Collection method: clinical testing. Allele origin: germline. Affected: yes.
Comment: Not observed at significant frequency in large population cohorts (gnomAD); In silico analysis supports that this missense variant does not alter protein structure/function; Has not been previously published as pathogenic or benign to our knowledge; Reported using an alternate transcript of the gene